The following is an entry in ClinVar:

NM_000038.6(APC):c.7643A>T (p.Lys2548Ile)

Gene: APC (APC regulator of Wnt signaling pathway; plus strand). Cytogenetic location: 5q22.2.
Variant type: single nucleotide variant.
Coding change: c.7643A>T on transcript NM_000038.6 (MANE Select); coding-DNA position 7643, A replaced by T.
Protein change: p.Lys2548Ile; replaces lysine 2548 with isoleucine.
Molecular consequence: missense variant. On other transcripts: non-coding transcript variant (2).
Genome position (GRCh38, 1-based): chr5:112,843,237, A>T. VCF-style: chr5-112843237-A-T. GRCh37 (hg19) VCF-style: chr5-112178934-A-T.
Other names: c.7643A>T, p.Lys2548Ile (NM_001127510.3, NM_001354895.2, NM_001407450.1); c.7589A>T, p.Lys2530Ile (NM_001127511.3); c.7697A>T, p.Lys2566Ile (NM_001354896.2, NM_001407447.1, NM_001407448.1 and 1 more transcripts); c.7673A>T, p.Lys2558Ile (NM_001354897.2); c.7568A>T, p.Lys2523Ile (NM_001354898.2); c.7559A>T, p.Lys2520Ile (NM_001354899.2); c.7520A>T, p.Lys2507Ile (NM_001354900.2); c.7466A>T, p.Lys2489Ile (NM_001354901.2, NM_001407453.1); and 11 more; short protein forms K2164I, K2265I, K2447I, K2530I, K2457I, K2523I, K2548I, K2422I.
Identifiers: ClinVar variation 2813088 (VCV002813088.3), dbSNP rs2149991131, ClinGen allele CA16037935.
Genomic context (GRCh38, chr5:112,843,237, plus strand): 5'-TTGCACGGTCTCATTCTGAAAGTCCTTCTAGACTTCCAATCAATAGGTCAGGAACCTGGA[A>T]ACGTGAGCACAGCAAACATTCATCATCCCTTCCTCGAGTAAGCACTTGGAGAAGAACTGG-3'
Protein context (NP_000029.2, residues 2538-2558): RLPINRSGTW[Lys2548Ile]REHSKHSSSL

ClinVar aggregate classification (germline): Uncertain significance (1 of 4 stars; one submission).

Conditions:
Familial adenomatous polyposis 1 (FAP1). Also called: FAMILIAL ADENOMATOUS POLYPOSIS 1, ATTENUATED; POLYPOSIS, ADENOMATOUS INTESTINAL. Identifiers: MedGen C2713442, MONDO:0021056, OMIM 175100. Disease mechanism: loss of function.

Submission:

Labcorp Genetics (formerly Invitae), Labcorp
Classification: Uncertain significance for Familial adenomatous polyposis 1. Last evaluated: 2022-11-09. Review status: criteria provided, single submitter. Criteria: Invitae Variant Classification Sherloc (09022015). Collection method: clinical testing. Allele origin: germline.
Comment: This sequence change replaces lysine, which is basic and polar, with isoleucine, which is neutral and non-polar, at codon 2548 of the APC protein (p.Lys2548Ile). This variant is not present in population databases (gnomAD no frequency). This variant has not been reported in the literature in individuals affected with APC-related conditions. Advanced modeling of protein sequence and biophysical properties (such as structural, functional, and spatial information, amino acid conservation, physicochemical variation, residue mobility, and thermodynamic stability) performed at Invitae indicates that this missense variant is not expected to disrupt APC protein function. In summary, the available evidence is currently insufficient to determine the role of this variant in disease. Therefore, it has been classified as a Variant of Uncertain Significance.